The following is an entry in ClinVar:

NM_004655.4(AXIN2):c.2085T>C (p.Ala695=)

Gene: AXIN2 (axin 2; minus strand). Cytogenetic location: 17q24.1.
Variant type: single nucleotide variant.
Coding change: c.2085T>C on transcript NM_004655.4 (MANE Select); coding-DNA position 2085, T replaced by C.
Protein change: p.Ala695=; no amino-acid change (alanine 695 retained).
Molecular consequence: synonymous variant.
Genome position (GRCh38, 1-based): chr17:65,536,376, A>G on the plus strand (T>C on the coding strand, the complement: AXIN2 is on the minus strand). VCF-style: chr17-65536376-A-G. GRCh37 (hg19) VCF-style: chr17-63532494-A-G.
Other names: c.1890T>C, p.Ala630= (NM_001363813.1).
Identifiers: ClinVar variation 757977 (VCV000757977.20), dbSNP rs750097494, ClinGen allele CA8718411.

ClinVar aggregate classification (germline): Benign/Likely benign. Review status: criteria provided, multiple submitters, no conflicts (2 of 4 stars). 4 submissions from 4 submitters: Benign (1); Likely benign (3). Last evaluated 2025-03-04.

Conditions:
Hereditary cancer-predisposing syndrome. Also called: Hereditary Cancer Syndrome; Hereditary neoplastic syndrome; Neoplastic Syndromes, Hereditary; Tumor predisposition. Identifiers: Orphanet 140162, MedGen C0027672, MeSH D009386, MONDO:0015356.
Oligodontia-cancer predisposition syndrome. Also called: TOOTH AGENESIS-COLORECTAL CANCER SYNDROME. Identifiers: Orphanet 300576, MedGen C1837750, MONDO:0012075, OMIM 608615. Disease mechanism: loss of function.

Allele frequency attached by ClinVar (database versions not stated): gnomAD exomes below 0.00001; ExAC 0.00001.

Submissions (4):

Center for Genomic Medicine, Rigshospitalet, Copenhagen University Hospital
Classification: Likely benign. Last evaluated: 2025-03-04. Review status: criteria provided, single submitter. Criteria: ACMG Guidelines, 2015. Collection method: clinical testing. Allele origin: germline.

Myriad Genetics, Inc.
Classification: Benign for Oligodontia-cancer predisposition syndrome. Last evaluated: 2024-07-09. Review status: criteria provided, single submitter. Criteria: Myriad Autosomal Dominant, Autosomal Recessive and X-Linked Classification Criteria (2023). Collection method: clinical testing. Allele origin: unknown.
Comment: This variant is considered benign. This variant is a silent/synonymous amino acid change and it is not expected to impact splicing.

Labcorp Genetics (formerly Invitae), Labcorp
Classification: Likely benign for Oligodontia-cancer predisposition syndrome. Last evaluated: 2022-10-01. Review status: criteria provided, single submitter. Criteria: Invitae Variant Classification Sherloc (09022015). Collection method: clinical testing. Allele origin: germline.

Ambry Genetics
Classification: Likely benign for Hereditary cancer-predisposing syndrome. Last evaluated: 2020-12-25. Review status: criteria provided, single submitter. Criteria: Ambry Variant Classification Scheme 2023. Collection method: clinical testing. Allele origin: germline.